The following is an entry in ClinVar:

ClinVar aggregate classification (germline): Uncertain significance. Review status: criteria provided, multiple submitters, no conflicts (2 of 4 stars). 2 submissions from 2 submitters: Uncertain significance (2). Last evaluated 2025-04-22.

Conditions:
Inborn genetic diseases. Identifiers: MedGen C0950123, MeSH D030342.

Allele frequency attached by ClinVar (database versions not stated): TOPMed 0.00002; ExAC 0.00003; gnomAD exomes 0.00003.

Submissions (2):

Labcorp Genetics (formerly Invitae), Labcorp
Classification: Uncertain significance. Last evaluated: 2025-04-22. Review status: criteria provided, single submitter. Criteria: Invitae Variant Classification Sherloc (09022015). Collection method: clinical testing. Allele origin: germline.
Comment: This sequence change replaces methionine, which is neutral and non-polar, with threonine, which is neutral and polar, at codon 194 of the FAT1 protein (p.Met194Thr). This variant is present in population databases (rs765339347, gnomAD 0.02%). This variant has not been reported in the literature in individuals affected with FAT1-related conditions. ClinVar contains an entry for this variant (Variation ID: 2468544). An algorithm developed to predict the effect of missense changes on protein structure and function outputs the following: PolyPhen-2: "Benign". The threonine amino acid residue is found in multiple mammalian species, which suggests that this missense change does not adversely affect protein function. In summary, the available evidence is currently insufficient to determine the role of this variant in disease. Therefore, it has been classified as a Variant of Uncertain Significance.

Ambry Genetics
Classification: Uncertain significance for Inborn genetic diseases. Last evaluated: 2023-03-07. Review status: criteria provided, single submitter. Criteria: Ambry Variant Classification Scheme 2023. Collection method: clinical testing. Allele origin: germline.

NM_005245.4(FAT1):c.581T>C (p.Met194Thr)

Gene: FAT1 (FAT atypical cadherin 1; minus strand). Cytogenetic location: 4q35.2.
Variant type: single nucleotide variant.
Coding change: c.581T>C on transcript NM_005245.4 (MANE Select); coding-DNA position 581, T replaced by C.
Protein change: p.Met194Thr; replaces methionine 194 with threonine.
Molecular consequence: missense variant.
Genome position (GRCh38, 1-based): chr4:186,709,247, A>G on the plus strand (T>C on the coding strand, the complement: FAT1 is on the minus strand). VCF-style: chr4-186709247-A-G. GRCh37 (hg19) VCF-style: chr4-187630401-A-G.
Other names: short protein forms M194T.
Identifiers: ClinVar variation 2468544 (VCV002468544.3), dbSNP rs765339347, ClinGen allele CA3167641.